The following is an entry in ClinVar:

NM_007294.4(BRCA1):c.4724C>A (p.Pro1575His)

Gene: BRCA1 (BRCA1 DNA repair associated; minus strand). Cytogenetic location: 17q21.31.
Variant type: single nucleotide variant.
Coding change: c.4724C>A on transcript NM_007294.4 (MANE Select); coding-DNA position 4724, C replaced by A.
Protein change: p.Pro1575His; replaces proline 1575 with histidine.
Molecular consequence: missense variant. On other transcripts: non-coding transcript variant (1).
Genome position (GRCh38, 1-based): chr17:43,071,190, G>T on the plus strand (C>A on the coding strand, the complement: BRCA1 is on the minus strand). VCF-style: chr17-43071190-G-T. GRCh37 (hg19) VCF-style: chr17-41223207-G-T.
Other names: c.4580C>A, p.Pro1527His (NM_001407742.1, NM_001407743.1, NM_001407744.1 and 21 more transcripts); c.4598C>A, p.Pro1533His (NM_001407863.1, NM_001407672.1, NM_001407673.1 and 11 more transcripts); c.4517C>A, p.Pro1506His (NM_001407874.1, NM_001407875.1); c.4514C>A, p.Pro1505His (NM_001407879.1, NM_001407881.1, NM_001407882.1 and 5 more transcripts); c.4511C>A, p.Pro1504His (NM_001407904.1, NM_001407906.1, NM_001407907.1 and 12 more transcripts); c.4508C>A, p.Pro1503His (NM_001407915.1, NM_001407916.1, NM_001407917.1 and 1 more transcripts); c.4457C>A, p.Pro1486His (NM_001407928.1, NM_001407929.1, NM_001407930.1 and 4 more transcripts); c.4454C>A, p.Pro1485His (NM_001407934.1, NM_001407935.1, NM_001407936.1); and 70 more; short protein forms P1575H, P1596H, P471H, P1528H, P1279H, P1485H, P1505H, P1526H.
Identifiers: ClinVar variation 55270 (VCV000055270.13), dbSNP rs80357052, ClinGen allele CA002992.
Genomic context (GRCh38, chr17:43,071,190, plus strand): 5'-GATGGTATGTTGCCAACACGAGCTGACTCTGGGGCTCTGTCTTCAGAAGGATCAGATTCA[G>T]GGTCATCAGAGAAGAGGCTGATTCCAGATTCCAGGTAAGGGGTTCCCTCTGAAAGGAATG-3'
Protein context (NP_009225.1, residues 1565-1585): ESGISLFSDD[Pro1575His]ESDPSEDRAP

ClinVar aggregate classification (germline): Uncertain significance. Review status: criteria provided, multiple submitters, no conflicts (2 of 4 stars). 3 submissions from 3 submitters: Uncertain significance (2). 1 of the submissions does not count toward it. Last evaluated 2023-10-18.

Conditions:
Hereditary breast ovarian cancer syndrome. Also called: BRCA1- and BRCA2-Associated Hereditary Breast and Ovarian Cancer; Hereditary breast and ovarian cancer syndrome; Hereditary breast and ovarian cancer syndrome (HBOC); Breast and ovarian cancer; Hereditary breast and/or ovarian cancer syndrome; Hereditary breast and ovarian cancer. Identifiers: Orphanet 145, MedGen C0677776, MeSH D061325, MONDO:0003582. Disease mechanism: loss of function.
Breast-ovarian cancer, familial, susceptibility to, 1 (BROVCA1). Also called: BRCA1 Hereditary Breast and Ovarian Cancer; OVARIAN CANCER, SUSCEPTIBILITY TO. Identifiers: Orphanet 145, MedGen C2676676, MONDO:0011450, OMIM 604370. Disease mechanism: loss of function.

Submissions (3):

Labcorp Genetics (formerly Invitae), Labcorp
Classification: Uncertain significance for Hereditary breast ovarian cancer syndrome. Last evaluated: 2023-10-18. Review status: criteria provided, single submitter. Criteria: Invitae Variant Classification Sherloc (09022015). Collection method: clinical testing. Allele origin: germline.
Comment: This sequence change replaces proline, which is neutral and non-polar, with histidine, which is basic and polar, at codon 1575 of the BRCA1 protein (p.Pro1575His). This variant is not present in population databases (gnomAD no frequency). This missense change has been observed in individual(s) with a personal and/or family history of breast and/or ovarian cancer (PMID: 29161300). ClinVar contains an entry for this variant (Variation ID: 55270). Advanced modeling of protein sequence and biophysical properties (such as structural, functional, and spatial information, amino acid conservation, physicochemical variation, residue mobility, and thermodynamic stability) performed at Invitae indicates that this missense variant is not expected to disrupt BRCA1 protein function. Experimental studies have shown that this missense change does not substantially affect BRCA1 function (PMID: 30765603). In summary, the available evidence is currently insufficient to determine the role of this variant in disease. Therefore, it has been classified as a Variant of Uncertain Significance.

Mendelics
Classification: Uncertain significance for Breast-ovarian cancer, familial, susceptibility to, 1. Last evaluated: 2019-05-28. Review status: criteria provided, single submitter. Criteria: Mendelics Assertion Criteria 2017. Collection method: clinical testing. Allele origin: unknown.

Breast Cancer Information Core (BIC) (BRCA1)
Classification: Uncertain significance for Breast-ovarian cancer, familial 1. Last evaluated: 2001-10-29. Review status: no assertion criteria provided. Collection method: clinical testing. Allele origin: germline. Affected: yes. Observed: 1 variant allele. Not counted in ClinVar's aggregate classification.

Literature cited by the submitters: PubMed 29161300 (cited by Labcorp Genetics (formerly Invitae), Labcorp); PubMed 30765603 (cited by Labcorp Genetics (formerly Invitae), Labcorp).